The following is an entry in ClinVar:

ClinVar aggregate classification (germline): Uncertain significance (1 of 4 stars; one submission).

Conditions:
Congenital myasthenic syndrome 2A. Also called: Myasthenic syndrome, congenital, 2a, slow-channel. Identifiers: Orphanet 590, MedGen C4225374, MONDO:0014581, OMIM 616313.

Allele frequency attached by ClinVar (database versions not stated): gnomAD exomes below 0.00001.
gnomAD v4.1: 1 of 1,613,850 alleles (0.000062%); highest among the groups gnomAD compares: African/African-American, 0.0013%; no homozygotes.

Submission:

Labcorp Genetics (formerly Invitae), Labcorp
Classification: Uncertain significance for Myasthenic syndrome, congenital, 2a, slow-channel. Last evaluated: 2019-07-18. Review status: criteria provided, single submitter. Criteria: Invitae Variant Classification Sherloc (09022015). Collection method: clinical testing. Allele origin: germline.
Comment: This sequence change replaces tyrosine with cysteine at codon 86 of the CHRNB1 protein (p.Tyr86Cys). The tyrosine residue is moderately conserved and there is a large physicochemical difference between tyrosine and cysteine. This variant is not present in population databases (ExAC no frequency). This variant has not been reported in the literature in individuals with CHRNB1-related disease. Algorithms developed to predict the effect of missense changes on protein structure and function do not agree on the potential impact of this missense change (SIFT: "Tolerated"; PolyPhen-2: "Probably Damaging"; Align-GVGD: "Class C0"). In summary, the available evidence is currently insufficient to determine the role of this variant in disease. Therefore, it has been classified as a Variant of Uncertain Significance.

NM_000747.3(CHRNB1):c.257A>G (p.Tyr86Cys)

Gene: CHRNB1 (cholinergic receptor nicotinic beta 1 subunit; plus strand). Cytogenetic location: 17p13.1.
Variant type: single nucleotide variant.
Coding change: c.257A>G on transcript NM_000747.3 (MANE Select); coding-DNA position 257, A replaced by G.
Protein change: p.Tyr86Cys; replaces tyrosine 86 with cysteine.
Molecular consequence: missense variant.
Genome position (GRCh38, 1-based): chr17:7,446,846, A>G. VCF-style: chr17-7446846-A-G. GRCh37 (hg19) VCF-style: chr17-7350165-A-G.
Other names: short protein forms Y86C.
Identifiers: ClinVar variation 542756 (VCV000542756.2), dbSNP rs1555551838, ClinGen allele CA397788997.